The following is an entry in ClinVar:

ClinVar aggregate classification (germline): Conflicting classifications of pathogenicity. Review status: criteria provided, conflicting classifications (1 of 4 stars). 3 submissions from 3 submitters: Uncertain significance (2); Likely benign (1). Last evaluated 2025-10-19.

Conditions:
Inborn genetic diseases. Identifiers: MedGen C0950123, MeSH D030342.

Allele frequency attached by ClinVar (database versions not stated): ExAC 0.00005; TOPMed 0.00010; ESP Exome Variant Server 0.00023.
gnomAD v4.1: 171 of 1,614,112 alleles (0.011%); highest among the groups gnomAD compares: Admixed American, 0.022%; no homozygotes.

Submissions (3):

Labcorp Genetics (formerly Invitae), Labcorp
Classification: Uncertain significance. Last evaluated: 2025-10-19. Review status: criteria provided, single submitter. Criteria: Invitae Variant Classification Sherloc (09022015). Collection method: clinical testing. Allele origin: germline.
Comment: This sequence change replaces arginine, which is basic and polar, with histidine, which is basic and polar, at codon 155 of the CAPN5 protein (p.Arg155His). This variant is present in population databases (rs140079181, gnomAD 0.02%). This variant has not been reported in the literature in individuals affected with CAPN5-related conditions. ClinVar contains an entry for this variant (Variation ID: 1038860). Invitae Evidence Modeling of protein sequence and biophysical properties (such as structural, functional, and spatial information, amino acid conservation, physicochemical variation, residue mobility, and thermodynamic stability) indicates that this missense variant is not expected to disrupt CAPN5 protein function with a negative predictive value of 80%. In summary, the available evidence is currently insufficient to determine the role of this variant in disease. Therefore, it has been classified as a Variant of Uncertain Significance.

Ambry Genetics
Classification: Uncertain significance for Inborn genetic diseases. Last evaluated: 2025-04-21. Review status: criteria provided, single submitter. Criteria: Ambry Variant Classification Scheme 2023. Collection method: clinical testing. Allele origin: germline.

Blueprint Genetics
Classification: Likely benign. Last evaluated: 2022-06-10. Review status: criteria provided, single submitter. Criteria: ACMG Guidelines, 2015. Collection method: clinical testing. Allele origin: germline.

NM_004055.5(CAPN5):c.464G>A (p.Arg155His)

Gene: CAPN5 (calpain 5; plus strand). Cytogenetic location: 11q13.5.
Variant type: single nucleotide variant.
Coding change: c.464G>A on transcript NM_004055.5 (MANE Select); coding-DNA position 464, G replaced by A.
Protein change: p.Arg155His; replaces arginine 155 with histidine.
Molecular consequence: missense variant.
Genome position (GRCh38, 1-based): chr11:77,112,755, G>A. VCF-style: chr11-77112755-G-A. GRCh37 (hg19) VCF-style: chr11-76823801-G-A.
Other names: c.464G>A (NM_004055.4); short protein forms R155H.
Identifiers: ClinVar variation 1038860 (VCV001038860.10), dbSNP rs140079181, ClinGen allele CA6196438.